The following is an entry in ClinVar:

ClinVar aggregate classification (germline): Benign. Review status: criteria provided, multiple submitters, no conflicts (2 of 4 stars). 3 submissions from 3 submitters: Benign (3). Last evaluated 2026-01-25.

Allele frequency attached by ClinVar (database versions not stated): gnomAD exomes 0.00108 and 0.00297; ExAC 0.00391; gnomAD 0.01092 and 0.01164; ESP Exome Variant Server 0.01315; 1000 Genomes Project 0.01318; 1000 Genomes Project 30x 0.01483.
gnomAD v4.1: 3,309 of 1,612,784 alleles (0.21%); highest among the groups gnomAD compares: African/African-American, 3.9%; 64 homozygotes.

Submissions (3):

Labcorp Genetics (formerly Invitae), Labcorp
Classification: Benign. Last evaluated: 2026-01-25. Review status: criteria provided, single submitter. Criteria: Invitae Variant Classification Sherloc (09022015). Collection method: clinical testing. Allele origin: germline.

Mayo Clinic Laboratories, Mayo Clinic
Classification: Benign. Last evaluated: 2024-02-22. Review status: criteria provided, single submitter. Criteria: ACMG Guidelines, 2015. Collection method: clinical testing. Allele origin: germline. Observed: 9 variant alleles.
Comment: BS1, BS2, BP4, BP7

Breakthrough Genomics
Classification: Benign. Review status: criteria provided, single submitter. Criteria: ACMG Guidelines, 2015. Collection method: not provided. Allele origin: germline. Inheritance: Autosomal dominant inheritance. Affected: yes.

NM_001256071.3(RNF213):c.14592T>G (p.Thr4864=)

Genes: RNF213 (ring finger protein 213; plus strand), RNF213-AS1 (RNF213 antisense RNA 1; minus strand), LOC126862664 (CDK7 strongly-dependent group 2 enhancer GRCh37_chr17:78359110-78360309; plus strand). Cytogenetic location: 17q25.3.
Variant type: single nucleotide variant.
Coding change: c.14592T>G on transcript NM_001256071.3 (MANE Select); coding-DNA position 14592, T replaced by G.
Protein change: p.Thr4864=; no amino-acid change (threonine 4864 retained).
Molecular consequence: synonymous variant.
Genome position (GRCh38, 1-based): chr17:80,386,302, T>G. VCF-style: chr17-80386302-T-G. GRCh37 (hg19) VCF-style: chr17-78360102-T-G.
Other names: p.Thr4864=.
Identifiers: ClinVar variation 784370 (VCV000784370.9), dbSNP rs58364615, ClinGen allele CA8823013.